The following is an entry in ClinVar:

ClinVar aggregate classification (germline): Uncertain significance (1 of 4 stars; one submission).

Submission:

Labcorp Genetics (formerly Invitae), Labcorp
Classification: Uncertain significance. Last evaluated: 2025-09-09. Review status: criteria provided, single submitter. Criteria: Invitae Variant Classification Sherloc (09022015). Collection method: clinical testing. Allele origin: germline.
Comment: This sequence change replaces glutamic acid, which is acidic and polar, with glycine, which is neutral and non-polar, at codon 133 of the LRP5 protein (p.Glu133Gly). This variant is not present in population databases (gnomAD no frequency). This variant has not been reported in the literature in individuals affected with LRP5-related conditions. Invitae Evidence Modeling of protein sequence and biophysical properties (such as structural, functional, and spatial information, amino acid conservation, physicochemical variation, residue mobility, and thermodynamic stability) has been performed for this missense variant. However, the output from this modeling did not meet the statistical confidence thresholds required to predict the impact of this variant on LRP5 protein function. In summary, the available evidence is currently insufficient to determine the role of this variant in disease. Therefore, it has been classified as a Variant of Uncertain Significance.

NM_002335.4(LRP5):c.398A>G (p.Glu133Gly)

Gene: LRP5 (LDL receptor related protein 5; plus strand). Cytogenetic location: 11q13.2.
Variant type: single nucleotide variant.
Coding change: c.398A>G on transcript NM_002335.4 (MANE Select); coding-DNA position 398, A replaced by G.
Protein change: p.Glu133Gly; replaces glutamic acid 133 with glycine.
Molecular consequence: missense variant. On other transcripts: 5 prime UTR variant (1).
Genome position (GRCh38, 1-based): chr11:68,348,153, A>G. VCF-style: chr11-68348153-A-G. GRCh37 (hg19) VCF-style: chr11-68115621-A-G.
Other names: c.-1368A>G (NM_001291902.2); short protein forms E133G.
Identifiers: ClinVar variation 4800448 (VCV004800448.1).